The following is an entry in ClinVar:

ClinVar aggregate classification (germline): Uncertain significance (1 of 4 stars; one submission).

Conditions:
Neurofibromatosis, type 1 (NF1). Also called: Peripheral type neurofibromatosis; VON RECKLINGHAUSEN DISEASE; Neurofibromatosis, type I; NEUROFIBROMATOSIS, TYPE I, SOMATIC. Identifiers: Orphanet 636, MedGen C0027831, MONDO:0018975, OMIM 162200. Disease mechanism: loss of function.

Submission:

Labcorp Genetics (formerly Invitae), Labcorp
Classification: Uncertain significance for Neurofibromatosis, type 1. Last evaluated: 2019-09-26. Review status: criteria provided, single submitter. Criteria: Invitae Variant Classification Sherloc (09022015). Collection method: clinical testing. Allele origin: germline.
Comment: In summary, the available evidence is currently insufficient to determine the role of this variant in disease. Therefore, it has been classified as a Variant of Uncertain Significance. Algorithms developed to predict the effect of missense changes on protein structure and function (SIFT, PolyPhen-2, Align-GVGD) all suggest that this variant is likely to be tolerated, but these predictions have not been confirmed by published functional studies and their clinical significance is uncertain. This variant has not been reported in the literature in individuals with NF1-related conditions. This variant is not present in population databases (ExAC no frequency). This sequence change replaces cysteine with serine at codon 1233 of the NF1 protein (p.Cys1233Ser). The cysteine residue is moderately conserved and there is a moderate physicochemical difference between cysteine and serine.

NM_001042492.3(NF1):c.3698G>C (p.Cys1233Ser)

Gene: NF1 (neurofibromin 1; plus strand). Cytogenetic location: 17q11.2.
Variant type: single nucleotide variant.
Coding change: c.3698G>C on transcript NM_001042492.3 (MANE Select); coding-DNA position 3698, G replaced by C.
Protein change: p.Cys1233Ser; replaces cysteine 1233 with serine.
Molecular consequence: missense variant.
Genome position (GRCh38, 1-based): chr17:31,233,203, G>C. VCF-style: chr17-31233203-G-C. GRCh37 (hg19) VCF-style: chr17-29560221-G-C.
Other names: c.3698G>C, p.Cys1233Ser (NM_000267.4); short protein forms C1233S.
Identifiers: ClinVar variation 937405 (VCV000937405.6), dbSNP rs2067145365, ClinGen allele CA398990720.